The following is an entry in ClinVar:

ClinVar aggregate classification (germline): Benign (1 of 4 stars; one submission).

Allele frequency attached by ClinVar (database versions not stated): gnomAD 0.18292; 1000 Genomes Project 30x 0.15678; 1000 Genomes Project 0.15615; TOPMed 0.17648.
gnomAD v4.1: 28,803 of 152,144 alleles (19%); highest among the groups gnomAD compares: Middle Eastern, 33%; 3,202 homozygotes.

Submission:

GeneDx
Classification: Benign. Last evaluated: 2018-06-18. Review status: criteria provided, single submitter. Criteria: GeneDx Variant Classification (06012015). Collection method: clinical testing. Allele origin: germline. Affected: yes.
Comment: This variant is considered likely benign or benign based on one or more of the following criteria: it is a conservative change, it occurs at a poorly conserved position in the protein, it is predicted to be benign by multiple in silico algorithms, and/or has population frequency not consistent with disease.

NM_006329.4(FBLN5):c.619+328G>C

Gene: FBLN5 (fibulin 5; minus strand). Cytogenetic location: 14q32.12.
Variant type: single nucleotide variant.
Coding change: c.619+328G>C on transcript NM_006329.4 (MANE Select); 328 bases into the intron after coding-DNA position 619, G replaced by C.
Molecular consequence: intron variant.
Genome position (GRCh38, 1-based): chr14:91,890,893, C>G on the plus strand (G>C on the coding strand, the complement: FBLN5 is on the minus strand). VCF-style: chr14-91890893-C-G. GRCh37 (hg19) VCF-style: chr14-92357237-C-G.
Other names: c.619+328G>C (NM_001384160.1); c.742+328G>C (NM_001384158.1); c.451+328G>C (NM_001384162.1, NM_001384161.1); c.670+328G>C (NM_001384159.1).
Identifiers: ClinVar variation 683517 (VCV000683517.1), dbSNP rs17805119, ClinGen allele CA13946706.